The following is an entry in ClinVar:

ClinVar aggregate classification (germline): Pathogenic (1 of 4 stars; one submission).

Conditions:
Neurofibromatosis, type 2 (SWNV). Also called: SCHWANNOMATOSIS, VESTIBULAR; BILATERAL ACOUSTIC NEUROFIBROMATOSIS; NF2-Related Schwannomatosis. Identifiers: Orphanet 637, MedGen C0027832, MONDO:0007039, OMIM 101000. Disease mechanism: loss of function.

Submission:

Labcorp Genetics (formerly Invitae), Labcorp
Classification: Pathogenic for Neurofibromatosis, type 2. Last evaluated: 2025-08-24. Review status: criteria provided, single submitter. Criteria: Invitae Variant Classification Sherloc (09022015). Collection method: clinical testing. Allele origin: germline.
Comment: This sequence change creates a premature translational stop signal (p.Gln362*) in the NF2 gene. It is expected to result in an absent or disrupted protein product. Loss-of-function variants in NF2 are known to be pathogenic (PMID: 9643284, 16983642). This variant is not present in population databases (gnomAD no frequency). This premature translational stop signal has been observed in individual(s) with clinical features of neurofibromatosis type 2 (PMID: 16509493). ClinVar contains an entry for this variant (Variation ID: 2138433). For these reasons, this variant has been classified as Pathogenic.

Literature cited by the submitters: PubMed 9643284; PubMed 16983642; PubMed 16509493.

NM_000268.4(NF2):c.1084C>T (p.Gln362Ter)

Gene: NF2 (NF2, moesin-ezrin-radixin like (MERLIN) tumor suppressor; plus strand). Cytogenetic location: 22q12.2.
Variant type: single nucleotide variant.
Coding change: c.1084C>T on transcript NM_000268.4 (MANE Select); coding-DNA position 1084, C replaced by T.
Protein change: p.Gln362Ter; replaces glutamine 362 with a stop codon.
Molecular consequence: nonsense. On other transcripts: non-coding transcript variant (1), intron variant (1).
Genome position (GRCh38, 1-based): chr22:29,671,910, C>T. VCF-style: chr22-29671910-C-T. GRCh37 (hg19) VCF-style: chr22-30067899-C-T.
Other names: c.550C>T, p.Gln184Ter (NM_001407065.1); c.1084C>T, p.Gln362Ter (NM_001407066.1, NM_016418.5, NM_181825.3 and 2 more transcripts); c.853C>T, p.Gln285Ter (NM_001407067.1); c.958C>T, p.Gln320Ter (NM_181828.3, NM_001407055.1); c.961C>T, p.Gln321Ter (NM_181829.3, NM_001407054.1, NM_001407058.1); c.835C>T, p.Gln279Ter (NM_181830.3, NM_181831.3, NM_001407063.1 and 1 more transcripts); c.448-22842C>T (NM_181833.3); c.970C>T, p.Gln324Ter (NM_001407053.1, NM_001407056.1); and 2 more; short protein forms Q184*, Q276*, Q285*, Q321*, Q279*, Q317*, Q320*, Q362*.
Identifiers: ClinVar variation 2138433 (VCV002138433.4), dbSNP rs74315498, ClinGen allele CA323116053.